The following is an entry in ClinVar:

ClinVar aggregate classification (germline): Likely pathogenic (1 of 4 stars; one submission).

Conditions:
Primary ciliary dyskinesia 3. Identifiers: Orphanet 244, MedGen C1837618, MONDO:0012085, OMIM 608644.

Submission:

Myriad Genetics, Inc.
Classification: Likely pathogenic for Primary ciliary dyskinesia 3. Last evaluated: 2022-02-02. Review status: criteria provided, single submitter. Criteria: Myriad Women's Health Autosomal Recessive and X-Linked Classification Criteria (2021). Collection method: clinical testing. Allele origin: unknown.
Comment: NM_001369.2(DNAH5):c.8790_8791delCT(F2931Cfs*86) is expected to be pathogenic in the context of DNAH5-related primary ciliary dyskinesia. This variant is predicted to lead to an abnormal or absent protein product due to the creation of a premature termination codon in DNAH5, a gene where loss-of-function variants are known to be pathogenic. Please note: this variant was assessed in the context of healthy population screening.

NM_001369.3(DNAH5):c.8790_8791del (p.Phe2931fs)

Gene: DNAH5 (dynein axonemal heavy chain 5; minus strand). Cytogenetic location: 5p15.2.
Variant type: Deletion.
Coding change: c.8790_8791del on transcript NM_001369.3 (MANE Select); coding-DNA positions 8790 to 8791, 2 bases deleted (CT; older notation c.8790_8791delCT).
Protein change: p.Phe2931fs; shifts the reading frame from phenylalanine 2931.
Molecular consequence: frameshift variant.
Genome position (GRCh38, 1-based): chr5:13,786,208-13,786,209, AG deleted on the plus strand (CT on the coding strand, the reverse complement: DNAH5 is on the minus strand); deleting any 2 consecutive bases within chr5:13,786,208-13,786,210 gives the same sequence; the c. name uses the placement nearest the transcript's 3' end. VCF-style (leftmost placement, unchanged base first): chr5-13786207-AAG-A. GRCh37 (hg19) VCF-style: chr5-13786316-AAG-A.
Other names: short protein forms F2931fs.
Identifiers: ClinVar variation 1724266 (VCV001724266.2), dbSNP rs2546712693, ClinGen allele CA2580072055.